The following is an entry in ClinVar:

NM_205836.3(FBXO38):c.2801A>G (p.Asn934Ser)

Gene: FBXO38 (F-box protein 38; plus strand). Cytogenetic location: 5q32.
Variant type: single nucleotide variant.
Coding change: c.2801A>G on transcript NM_205836.3 (MANE Select); coding-DNA position 2801, A replaced by G.
Protein change: p.Asn934Ser; replaces asparagine 934 with serine.
Molecular consequence: missense variant.
Genome position (GRCh38, 1-based): chr5:148,433,681, A>G. VCF-style: chr5-148433681-A-G. GRCh37 (hg19) VCF-style: chr5-147813244-A-G.
Other names: c.2066A>G, p.Asn689Ser (NM_001271723.2); c.2576A>G, p.Asn859Ser (NM_030793.5); short protein forms N689S, N859S, N934S.
Identifiers: ClinVar variation 541018 (VCV000541018.10), dbSNP rs1463668452, ClinGen allele CA361659724.
Genomic context (GRCh38, chr5:148,433,681, plus strand): 5'-TTTTCTGCTTGTAGGTTCTTGTATTAAAATCCAAGAATCTTGTTGGAGTCACTATGACCA[A>G]TTGTGGAATCACAGATCTAGTGCTAAAAGACTGTCCAAAGATGATGTTCATCCATGGTAT-3'
Protein context (NP_995308.1, residues 924-944): SKNLVGVTMT[Asn934Ser]CGITDLVLKD

ClinVar aggregate classification (germline): Uncertain significance (1 of 4 stars; one submission).

Conditions:
Distal hereditary motor neuropathy type 2. Identifiers: Orphanet 139525, MedGen C3711384, MeSH C580044, MONDO:0015352.

Allele frequency attached by ClinVar (database versions not stated): gnomAD exomes below 0.00001 and 0.00001; TOPMed below 0.00001.
gnomAD v4.1: 5 of 1,611,990 alleles (0.00031%); highest among the groups gnomAD compares: Admixed American, 0.0033%; no homozygotes.

Submission:

Labcorp Genetics (formerly Invitae), Labcorp
Classification: Uncertain significance for Distal hereditary motor neuropathy type 2. Last evaluated: 2026-01-21. Review status: criteria provided, single submitter. Criteria: Invitae Variant Classification Sherloc (09022015). Collection method: clinical testing. Allele origin: germline.
Comment: This sequence change replaces asparagine, which is neutral and polar, with serine, which is neutral and polar, at codon 859 of the FBXO38 protein (p.Asn859Ser). This variant is present in population databases (no rsID available, gnomAD 0.006%). This variant has not been reported in the literature in individuals affected with FBXO38-related conditions. ClinVar contains an entry for this variant (Variation ID: 541018). An algorithm developed to predict the effect of missense changes on protein structure and function (PolyPhen-2) suggests that this variant is likely to be disruptive. In summary, the available evidence is currently insufficient to determine the role of this variant in disease. Therefore, it has been classified as a Variant of Uncertain Significance.